The following is an entry in ClinVar:

NC_000011.9:g.(?_120130513)_(121500272_?)del

Genes: SC5D (sterol-C5-desaturase; plus strand), SORL1 (sortilin related receptor 1; plus strand), TBCEL (tubulin folding cofactor E like; plus strand), ARHGEF12 (Rho guanine nucleotide exchange factor 12; plus strand), GRIK4 (glutamate ionotropic receptor kainate type subunit 4; plus strand) and 3 more. Cytogenetic location: 11q23.3-24.1.
Variant type: Deletion.
Identifiers: ClinVar variation 2425667 (VCV002425667.3).

ClinVar aggregate classification (germline): Uncertain significance (1 of 4 stars; one submission).

Submission:

Labcorp Genetics (formerly Invitae), Labcorp
Classification: Uncertain significance. Last evaluated: 2022-07-01. Review status: criteria provided, single submitter. Criteria: Invitae Variant Classification Sherloc (09022015). Collection method: clinical testing. Allele origin: germline.
Comment: A gross deletion of the genomic region encompassing the full coding sequence of the SC5D gene has been identified. The current clinical and genetic evidence is not sufficient to establish whether loss-of-function variants in SC5D cause disease. The boundaries of this event are unknown as they extend beyond the assayed region for this gene and therefore may encompass additional genes. This variant has not been reported in the literature in individuals affected with SC5D-related conditions. In summary, the available evidence is currently insufficient to determine the role of this variant in disease. Therefore, it has been classified as a Variant of Uncertain Significance.